The following is an entry in ClinVar:

NM_001042646.3(TRAK1):c.545C>T (p.Ala182Val)

Gene: TRAK1 (trafficking kinesin protein 1; plus strand). Cytogenetic location: 3p22.1.
Variant type: single nucleotide variant.
Coding change: c.545C>T on transcript NM_001042646.3 (MANE Select); coding-DNA position 545, C replaced by T.
Protein change: p.Ala182Val; replaces alanine 182 with valine.
Molecular consequence: missense variant. On other transcripts: non-coding transcript variant (1).
Genome position (GRCh38, 1-based): chr3:42,188,109, C>T. VCF-style: chr3-42188109-C-T. GRCh37 (hg19) VCF-style: chr3-42229601-C-T.
Other names: c.545C>T, p.Ala182Val (NM_001265608.2, NM_001349246.2, NM_001349247.2); c.323C>T, p.Ala108Val (NM_001265609.2, NM_001265610.1, NM_001349248.1 and 1 more transcripts); c.233C>T, p.Ala78Val (NM_001349245.1); c.371C>T, p.Ala124Val (NM_001410741.1, NM_014965.5); c.545C>T (NM_001042646.2); short protein forms A108V, A78V, A182V, A124V.
Identifiers: ClinVar variation 2081938 (VCV002081938.3), dbSNP rs532538472, ClinGen allele CA2333152.

ClinVar aggregate classification (germline): Uncertain significance. Review status: criteria provided, single submitter (1 of 4 stars). 2 submissions from 2 submitters: Uncertain significance (1). 1 of the submissions does not count toward it. Last evaluated 2022-08-13.

Conditions:
TRAK1-related disorder. Also called: TRAK1-related condition.

Allele frequency attached by ClinVar (database versions not stated): ExAC 0.00010; 1000 Genomes Project 30x 0.00016; 1000 Genomes Project 0.00020; gnomAD 0.00021; TOPMed 0.00040.
gnomAD v4.1: 105 of 1,614,090 alleles (0.0065%); highest among the groups gnomAD compares: Admixed American, 0.057%; no homozygotes.

Submissions (2):

Labcorp Genetics (formerly Invitae), Labcorp
Classification: Uncertain significance. Last evaluated: 2022-08-13. Review status: criteria provided, single submitter. Criteria: Invitae Variant Classification Sherloc (09022015). Collection method: clinical testing. Allele origin: germline.
Comment: This sequence change replaces alanine, which is neutral and non-polar, with valine, which is neutral and non-polar, at codon 182 of the TRAK1 protein (p.Ala182Val). This variant is present in population databases (rs532538472, gnomAD 0.06%). This variant has not been reported in the literature in individuals affected with TRAK1-related conditions. Algorithms developed to predict the effect of missense changes on protein structure and function are either unavailable or do not agree on the potential impact of this missense change (SIFT: "Tolerated"; PolyPhen-2: "Possibly Damaging"; Align-GVGD: "Class C0"). In summary, the available evidence is currently insufficient to determine the role of this variant in disease. Therefore, it has been classified as a Variant of Uncertain Significance.

PreventionGenetics, part of Exact Sciences
Classification: Uncertain significance for TRAK1-related condition. Last evaluated: 2023-12-27. Review status: no assertion criteria provided. Collection method: clinical testing. Allele origin: germline. Not counted in ClinVar's aggregate classification.
Comment: The TRAK1 c.545C>T variant is predicted to result in the amino acid substitution p.Ala182Val. To our knowledge, this variant has not been reported in the literature. This variant is reported in 0.060% of alleles in individuals of East Asian descent in gnomAD. At this time, the clinical significance of this variant is uncertain due to the absence of conclusive functional and genetic evidence.